The following is an entry in ClinVar:

NM_014008.5(CCDC22):c.1600C>T (p.Arg534Trp)

Gene: CCDC22 (CCC complex scaffolding subunit CCDC22; plus strand). Cytogenetic location: Xp11.23.
Variant type: single nucleotide variant.
Coding change: c.1600C>T on transcript NM_014008.5 (MANE Select); coding-DNA position 1600, C replaced by T.
Protein change: p.Arg534Trp; replaces arginine 534 with tryptophan.
Molecular consequence: missense variant.
Genome position (GRCh38, 1-based): chrX:49,249,227, C>T. VCF-style: chrX-49249227-C-T. GRCh37 (hg19) VCF-style: chrX-49105688-C-T.
Other names: c.1600C>T (NM_014008.3); short protein forms R534W.
Identifiers: ClinVar variation 434616 (VCV000434616.8), dbSNP rs148054424, ClinGen allele CA10411549.
Genomic context (GRCh38, chrX:49,249,227, plus strand): 5'-ATCTTGTCTGATACGAAGGAGCTTCAGAAGGAAATCAACTCCCTATCTGGGAAGCTGGAC[C>T]GGACGTTTGCGGTGACTGATGAGCTTGTGTTCAAGGTGTGGGGCAGGTTGGGCGGGGGTG-3'
Protein context (NP_054727.1, residues 524-544): EINSLSGKLD[Arg534Trp]TFAVTDELVF

ClinVar aggregate classification (germline): Uncertain significance. Review status: criteria provided, multiple submitters, no conflicts (2 of 4 stars). 3 submissions from 3 submitters: Uncertain significance (3). Last evaluated 2025-11-12.

Allele frequency attached by ClinVar (database versions not stated): ExAC 0.00002; TOPMed 0.00006; gnomAD exomes 0.00001; gnomAD 0.00005; ESP Exome Variant Server 0.00009.

Submissions (3):

Ambry Genetics
Classification: Uncertain significance. Last evaluated: 2025-11-12. Review status: criteria provided, single submitter. Criteria: Ambry Variant Classification Scheme 2023. Collection method: clinical testing. Allele origin: germline.

Women's Health and Genetics/Laboratory Corporation of America, LabCorp
Classification: Uncertain significance. Last evaluated: 2022-07-27. Review status: criteria provided, single submitter. Criteria: LabCorp Variant Classification Summary - May 2015. Collection method: clinical testing. Allele origin: germline.
Comment: Variant summary: CCDC22 c.1600C>T (p.Arg534Trp) results in a non-conservative amino acid change in the encoded protein sequence. Four of five in-silico tools predict a damaging effect of the variant on protein function. The variant allele was found at a frequency of 1.1e-05 in 182571 control chromosomes (gnomAD). The available data on variant occurrences in the general population are insufficient to allow any conclusion about variant significance. To our knowledge, no occurrence of c.1600C>T in individuals affected with Ritscher-Schinzel Syndrome 2 and no experimental evidence demonstrating its impact on protein function have been reported. One clinical diagnostic laboratory has submitted an assessment for this variant to ClinVar after 2014 without evidence for independent evaluation and classified the variant as uncertain significance. Based on the evidence outlined above, the variant was classified as uncertain significance.

Genetic Services Laboratory, University of Chicago
Classification: Uncertain significance. Last evaluated: 2016-01-22. Review status: criteria provided, single submitter. Criteria: ACMG Guidelines, 2015. Collection method: clinical testing. Allele origin: germline. Affected: no.